The following is an entry in ClinVar:

ClinVar aggregate classification (germline): Likely benign. Review status: criteria provided, multiple submitters, no conflicts (2 of 4 stars). 2 submissions from 2 submitters: Likely benign (2). Last evaluated 2025-11-03.

Allele frequency attached by ClinVar (database versions not stated): gnomAD exomes 0.00001; TOPMed 0.00001.
gnomAD v4.1: 12 of 1,614,040 alleles (0.00074%); highest among the groups gnomAD compares: Non-Finnish European, 0.001%; no homozygotes.

Submissions (2):

Labcorp Genetics (formerly Invitae), Labcorp
Classification: Likely benign. Last evaluated: 2025-11-03. Review status: criteria provided, single submitter. Criteria: Invitae Variant Classification Sherloc (09022015). Collection method: clinical testing. Allele origin: germline.

Women's Health and Genetics/Laboratory Corporation of America, LabCorp
Classification: Likely benign. Last evaluated: 2024-08-09. Review status: criteria provided, single submitter. Criteria: LabCorp Variant Classification Summary - May 2015. Collection method: clinical testing. Allele origin: germline.
Comment: Variant summary: COL4A1 c.781-16T>C alters a non-conserved nucleotide located at a position not widely known to affect splicing. Consensus agreement among computation tools predict no significant impact on normal splicing. However, these predictions have yet to be confirmed by functional studies. The variant was absent in 251404 control chromosomes. The available data on variant occurrences in the general population are insufficient to allow any conclusion about variant significance. To our knowledge, no occurrence of c.781-16T>C in individuals affected with Porencephaly 1 and no experimental evidence demonstrating its impact on protein function have been reported. ClinVar contains an entry for this variant (Variation ID: 3013206). Based on the evidence outlined above, the variant was classified as likely benign.

NM_001845.6(COL4A1):c.781-16T>C

Gene: COL4A1 (collagen type IV alpha 1 chain; minus strand). Cytogenetic location: 13q34.
Variant type: single nucleotide variant.
Coding change: c.781-16T>C on transcript NM_001845.6 (MANE Select); 16 bases into the intron before coding-DNA position 781, T replaced by C.
Molecular consequence: intron variant.
Genome position (GRCh38, 1-based): chr13:110,206,907, A>G on the plus strand (T>C on the coding strand, the complement: COL4A1 is on the minus strand). VCF-style: chr13-110206907-A-G. GRCh37 (hg19) VCF-style: chr13-110859254-A-G.
Other names: c.781-16T>C (NM_001303110.2).
Identifiers: ClinVar variation 3013206 (VCV003013206.4), dbSNP rs1045627225, ClinGen allele CA256286915.